The following is an entry in ClinVar:

ClinVar aggregate classification (germline): Uncertain significance. Review status: criteria provided, multiple submitters, no conflicts (2 of 4 stars). 4 submissions from 4 submitters: Uncertain significance (4). Last evaluated 2025-12-28.

Conditions:
TMC1-related disorder. Also called: TMC1-related disorders; TMC1-related condition.

gnomAD v4.1: 25 of 1,605,156 alleles (0.0016%); highest among the groups gnomAD compares: Admixed American, 0.0034%; no homozygotes.

Submissions (4):

Labcorp Genetics (formerly Invitae), Labcorp
Classification: Uncertain significance. Last evaluated: 2025-12-28. Review status: criteria provided, single submitter. Criteria: Invitae Variant Classification Sherloc (09022015). Collection method: clinical testing. Allele origin: germline.
Comment: This sequence change replaces alanine, which is neutral and non-polar, with valine, which is neutral and non-polar, at codon 79 of the TMC1 protein (p.Ala79Val). This variant is present in population databases (rs140482278, gnomAD 0.006%). This variant has not been reported in the literature in individuals affected with TMC1-related conditions. ClinVar contains an entry for this variant (Variation ID: 2683049). Invitae Evidence Modeling of protein sequence and biophysical properties (such as structural, functional, and spatial information, amino acid conservation, physicochemical variation, residue mobility, and thermodynamic stability) indicates that this missense variant is not expected to disrupt TMC1 protein function with a negative predictive value of 80%. In summary, the available evidence is currently insufficient to determine the role of this variant in disease. Therefore, it has been classified as a Variant of Uncertain Significance.

PreventionGenetics, part of Exact Sciences
Classification: Uncertain significance for TMC1-related condition. Last evaluated: 2025-11-07. Review status: criteria provided, single submitter. Criteria: ACMG Guidelines, 2015. Collection method: clinical testing. Allele origin: germline.
Comment: The TMC1 c.236C>T variant is predicted to result in the amino acid substitution p.Ala79Val. To our knowledge, this variant has not been reported in the literature. This variant is reported in 0.0060% of alleles in individuals of Latino descent in gnomAD. At this time, the clinical significance of this variant is uncertain due to the absence of conclusive functional and genetic evidence.

Blueprint Genetics
Classification: Uncertain significance. Last evaluated: 2023-09-22. Review status: criteria provided, single submitter. Criteria: ACMG Guidelines, 2015. Collection method: clinical testing. Allele origin: germline.

Mayo Clinic Laboratories, Mayo Clinic
Classification: Uncertain significance. Last evaluated: 2022-05-31. Review status: criteria provided, single submitter. Criteria: ACMG Guidelines, 2015. Collection method: clinical testing. Allele origin: germline. Observed: 1 variant allele.
Comment: BP4, PM2

NM_138691.3(TMC1):c.236C>T (p.Ala79Val)

Gene: TMC1 (transmembrane channel like 1; plus strand). Cytogenetic location: 9q21.13.
Variant type: single nucleotide variant.
Coding change: c.236C>T on transcript NM_138691.3 (MANE Select); coding-DNA position 236, C replaced by T.
Protein change: p.Ala79Val; replaces alanine 79 with valine.
Molecular consequence: missense variant.
Genome position (GRCh38, 1-based): chr9:72,694,714, C>T. VCF-style: chr9-72694714-C-T. GRCh37 (hg19) VCF-style: chr9-75309630-C-T.
Other names: p.Ala79Val; short protein forms A79V.
Identifiers: ClinVar variation 2683049 (VCV002683049.4), dbSNP rs140482278, ClinGen allele CA5081624.